The following is an entry in ClinVar:

NM_002878.4(RAD51D):c.145-4G>T

Genes: RAD51L3-RFFL (RAD51L3-RFFL readthrough; minus strand), RAD51D (RAD51 paralog D; minus strand). Cytogenetic location: 17q12.
Variant type: single nucleotide variant.
Coding change: c.145-4G>T on transcript NM_002878.4 (MANE Select); 4 bases into the intron before coding-DNA position 145, G replaced by T.
Molecular consequence: intron variant.
Genome position (GRCh38, 1-based): chr17:35,118,623, C>A on the plus strand (G>T on the coding strand, the complement: RAD51D is on the minus strand). VCF-style: chr17-35118623-C-A. GRCh37 (hg19) VCF-style: chr17-33445642-C-A.
Other names: c.144+488G>T (NM_133629.3, NM_001142571.2).
Identifiers: ClinVar variation 384789 (VCV000384789.15), dbSNP rs201361465, ClinGen allele CA16607210.

ClinVar aggregate classification (germline): Conflicting classifications of pathogenicity. Review status: criteria provided, conflicting classifications (1 of 4 stars). 5 submissions from 5 submitters: Uncertain significance (2); Likely benign (3). Last evaluated 2025-06-10.

Conditions:
Hereditary cancer-predisposing syndrome. Also called: Hereditary Cancer Syndrome; Hereditary neoplastic syndrome; Neoplastic Syndromes, Hereditary; Tumor predisposition. Identifiers: Orphanet 140162, MedGen C0027672, MeSH D009386, MONDO:0015356.
Breast-ovarian cancer, familial, susceptibility to, 4. Identifiers: Orphanet 145, MedGen C3280345, MONDO:0013669, OMIM 614291.

Submissions (5):

Ambry Genetics
Classification: Uncertain significance for Hereditary cancer-predisposing syndrome. Last evaluated: 2025-06-10. Review status: criteria provided, single submitter. Criteria: Ambry Variant Classification Scheme 2023. Collection method: clinical testing. Allele origin: germline.
Comment: The c.145-4G>T intronic variant results from a G to T substitution 4 nucleotides upstream from coding exon 3 in the RAD51D gene. This nucleotide position is well conserved in available vertebrate species. In silico splice site analysis predicts that this alteration will not have any significant effect on splicing; however, direct evidence is insufficient at this time (Ambry internal data). Since supporting evidence is limited at this time, the clinical significance of this alteration remains unclear.

Center for Genomic Medicine, Rigshospitalet, Copenhagen University Hospital
Classification: Uncertain significance. Last evaluated: 2025-03-04. Review status: criteria provided, single submitter. Criteria: ACMG Guidelines, 2015. Collection method: clinical testing. Allele origin: germline.

Myriad Genetics, Inc.
Classification: Likely benign for Breast-ovarian cancer, familial, susceptibility to, 4. Last evaluated: 2025-02-20. Review status: criteria provided, single submitter. Criteria: Myriad Autosomal Dominant, Autosomal Recessive and X-Linked Classification Criteria (2023). Collection method: clinical testing. Allele origin: unknown.
Comment: This variant is considered likely benign. This variant is intronic and is not expected to impact mRNA splicing.

Labcorp Genetics (formerly Invitae), Labcorp
Classification: Likely benign for Breast-ovarian cancer, familial, susceptibility to, 4. Last evaluated: 2024-10-16. Review status: criteria provided, single submitter. Criteria: Invitae Variant Classification Sherloc (09022015). Collection method: clinical testing. Allele origin: germline.

GeneDx
Classification: Likely benign. Last evaluated: 2016-03-14. Review status: criteria provided, single submitter. Criteria: GeneDx Variant Classification (06012015). Collection method: clinical testing. Allele origin: germline. Affected: yes.
Comment: This variant is considered likely benign or benign based on one or more of the following criteria: it is a conservative change, it occurs at a poorly conserved position in the protein, it is predicted to be benign by multiple in silico algorithms, and/or has population frequency not consistent with disease.